The following is an entry in ClinVar:

ClinVar aggregate classification (germline): Uncertain significance. Review status: criteria provided, multiple submitters, no conflicts (2 of 4 stars). 2 submissions from 2 submitters: Uncertain significance (2). Last evaluated 2024-01-03.

Conditions:
Cardiovascular phenotype. Identifiers: MedGen CN230736.
Dilated cardiomyopathy 1DD (CMD1DD). Identifiers: Orphanet 154, MedGen C2750995, MONDO:0013168, OMIM 613172.

Submissions (2):

Ambry Genetics
Classification: Uncertain significance for Cardiovascular phenotype. Last evaluated: 2024-01-03. Review status: criteria provided, single submitter. Criteria: Ambry Variant Classification Scheme 2023. Collection method: clinical testing. Allele origin: germline.

Labcorp Genetics (formerly Invitae), Labcorp
Classification: Uncertain significance for Dilated cardiomyopathy 1DD. Last evaluated: 2023-11-04. Review status: criteria provided, single submitter. Criteria: Invitae Variant Classification Sherloc (09022015). Collection method: clinical testing. Allele origin: germline.
Comment: This sequence change replaces glycine, which is neutral and non-polar, with valine, which is neutral and non-polar, at codon 629 of the RBM20 protein (p.Gly629Val). This variant is not present in population databases (gnomAD no frequency). This variant has not been reported in the literature in individuals affected with RBM20-related conditions. ClinVar contains an entry for this variant (Variation ID: 971284). Advanced modeling of protein sequence and biophysical properties (such as structural, functional, and spatial information, amino acid conservation, physicochemical variation, residue mobility, and thermodynamic stability) performed at Invitae indicates that this missense variant is not expected to disrupt RBM20 protein function with a negative predictive value of 95%. In summary, the available evidence is currently insufficient to determine the role of this variant in disease. Therefore, it has been classified as a Variant of Uncertain Significance.

NM_001134363.3(RBM20):c.1886G>T (p.Gly629Val)

Gene: RBM20 (RNA binding motif protein 20; plus strand). Cytogenetic location: 10q25.2.
Variant type: single nucleotide variant.
Coding change: c.1886G>T on transcript NM_001134363.3 (MANE Select); coding-DNA position 1886, G replaced by T.
Protein change: p.Gly629Val; replaces glycine 629 with valine.
Molecular consequence: missense variant.
Genome position (GRCh38, 1-based): chr10:110,812,283, G>T. VCF-style: chr10-110812283-G-T. GRCh37 (hg19) VCF-style: chr10-112572041-G-T.
Other names: c.1886G>T (NM_001134363.1); short protein forms G629V.
Identifiers: ClinVar variation 971284 (VCV000971284.10), dbSNP rs1844777305, ClinGen allele CA378370238.